The following is an entry in ClinVar:

NM_006904.7(PRKDC):c.7839G>C (p.Gln2613His)

Gene: PRKDC (protein kinase, DNA-activated, catalytic subunit; minus strand). Cytogenetic location: 8q11.21.
Variant type: single nucleotide variant.
Coding change: c.7839G>C on transcript NM_006904.7 (MANE Select); coding-DNA position 7839, G replaced by C.
Protein change: p.Gln2613His; replaces glutamine 2613 with histidine.
Molecular consequence: missense variant.
Genome position (GRCh38, 1-based): chr8:47,836,450, C>G on the plus strand (G>C on the coding strand, the complement: PRKDC is on the minus strand). VCF-style: chr8-47836450-C-G. GRCh37 (hg19) VCF-style: chr8-48749011-C-G.
Other names: c.7839G>C, p.Gln2613His (NM_001081640.2); short protein forms Q2613H.
Identifiers: ClinVar variation 1760830 (VCV001760830.2), dbSNP rs2154499714, ClinGen allele CA371150975.

ClinVar aggregate classification (germline): Uncertain significance (1 of 4 stars; one submission).

Submission:

Ambry Genetics
Classification: Uncertain significance. Last evaluated: 2021-09-30. Review status: criteria provided, single submitter. Criteria: Ambry Variant Classification Scheme 2023. Collection method: clinical testing. Allele origin: germline.
Comment: The p.Q2613H variant (also known as c.7839G>C), located in coding exon 58 of the PRKDC gene, results from a G to C substitution at nucleotide position 7839. The glutamine at codon 2613 is replaced by histidine, an amino acid with highly similar properties. This amino acid position is conserved. In addition, this alteration is predicted to be tolerated by in silico analysis. Since supporting evidence is limited at this time, the clinical significance of this alteration remains unclear.